The following is an entry in ClinVar:

ClinVar aggregate classification (germline): Likely benign. Review status: criteria provided, multiple submitters, no conflicts (2 of 4 stars). 4 submissions from 4 submitters: Likely benign (4). Last evaluated 2025-08-21.

Conditions:
Charcot-Marie-Tooth disease. Also called: Charcot-Marie-Tooth Neuropathy; Charcot-Marie-Tooth Hereditary Neuropathy. Identifiers: Orphanet 166, MedGen C0007959, MONDO:0015626.
Charcot-Marie-Tooth disease axonal type 2C (HMSN2C). Also called: CHARCOT-MARIE-TOOTH DISEASE, AXONAL, AUTOSOMAL DOMINANT, TYPE 2C; Charcot-Marie-Tooth Neuropathy Type 2C; Charcot-Marie-Tooth Disease Type 2, TRPV4-Related (CMT2C). Identifiers: Orphanet 99937, MedGen C1853710, MONDO:0011633, OMIM 606071.

Allele frequency attached by ClinVar (database versions not stated): gnomAD 0.00001; TOPMed 0.00001; gnomAD exomes 0.00002; ESP Exome Variant Server 0.00008.
gnomAD v4.1: 32 of 1,614,064 alleles (0.002%); highest among the groups gnomAD compares: East Asian, 0.0045%; no homozygotes.

Submissions (5):

Labcorp Genetics (formerly Invitae), Labcorp
Classification: Likely benign for Charcot-Marie-Tooth disease axonal type 2C. Last evaluated: 2025-08-21. Review status: criteria provided, single submitter. Criteria: Invitae Variant Classification Sherloc (09022015). Collection method: clinical testing. Allele origin: germline.

Women's Health and Genetics/Laboratory Corporation of America, LabCorp
Classification: Likely benign. Last evaluated: 2025-02-10. Review status: criteria provided, single submitter. Criteria: LabCorp Variant Classification Summary - May 2015. Collection method: clinical testing. Allele origin: germline.

CeGaT Center for Human Genetics Tuebingen
Classification: Likely benign. Last evaluated: 2023-09-01. Review status: criteria provided, single submitter. Criteria: CeGaT Center For Human Genetics Tuebingen Variant Classification Criteria Version 2. Collection method: clinical testing. Allele origin: germline. Affected: yes. Observed: 1 variant allele.
Comment: TRPV4: BP4, BP7

Molecular Genetics Laboratory, London Health Sciences Centre
Classification: Likely benign for Charcot-Marie-Tooth disease. Review status: criteria provided, single submitter. Criteria: ACMG Guidelines, 2015. Collection method: clinical testing. Allele origin: germline. Affected: yes.

Dr. Peter K. Rogan Lab, Western University
No classification provided (evidence only). Condition: Glioma susceptibility 1. Review status: no classification provided. Collection method: in vitro. Allele origin: not applicable. Functional consequence: retained intron. Not counted in ClinVar's aggregate classification.

NM_021625.5(TRPV4):c.2157C>T (p.Gly719=)

Gene: TRPV4 (transient receptor potential cation channel subfamily V member 4; minus strand). Cytogenetic location: 12q24.11.
Variant type: single nucleotide variant.
Coding change: c.2157C>T on transcript NM_021625.5 (MANE Select); coding-DNA position 2157, C replaced by T.
Protein change: p.Gly719=; no amino-acid change (glycine 719 retained).
Molecular consequence: synonymous variant.
Genome position (GRCh38, 1-based): chr12:109,788,451, G>A on the plus strand (C>T on the coding strand, the complement: TRPV4 is on the minus strand). VCF-style: chr12-109788451-G-A. GRCh37 (hg19) VCF-style: chr12-110226256-G-A.
Other names: c.2016C>T, p.Gly672= (NM_001177428.2); c.2055C>T, p.Gly685= (NM_001177431.2); c.1836C>T, p.Gly612= (NM_001177433.2); c.1977C>T, p.Gly659= (NM_147204.3).
Identifiers: ClinVar variation 917310 (VCV000917310.32), dbSNP rs150719390, ClinGen allele CA243497731.